The following is an entry in ClinVar:

NM_023110.2(FGFR1):c.-853G>C

Gene: FGFR1 (fibroblast growth factor receptor 1; minus strand). Cytogenetic location: 8p11.23.
Variant type: single nucleotide variant.
Coding change: c.-853G>C on transcript NM_023110.2; 853 bases upstream of the start codon, G replaced by C.
Genome position (GRCh38, 1-based): chr8:38,468,745, C>G on the plus strand (G>C on the coding strand, the complement: FGFR1 is on the minus strand). VCF-style: chr8-38468745-C-G. GRCh37 (hg19) VCF-style: chr8-38326263-C-G.
Identifiers: ClinVar variation 362921 (VCV000362921.29), dbSNP rs553799602, ClinGen allele CA10627755.
Genomic context (GRCh38, chr8:38,468,745, plus strand): 5'-CTCCTCCGCCTCCGCCCCCTGCAGCTGCCTGCTGGGCCTTGTAGTTCCCCAGCCGCGGCC[C>G]CAAAGGACGGGGAGCGGGCCGAGCTGTCCGGCGCTCTGCCCTTCTCTTCCTACAGCCTGG-3'

ClinVar aggregate classification (germline): Conflicting classifications of pathogenicity. Review status: criteria provided, conflicting classifications (1 of 4 stars). 5 submissions from 2 submitters: Uncertain significance (4); Likely benign (1). Last evaluated 2022-11-01.

Conditions:
Trigonocephaly 1 (TRIGNO1). Identifiers: Orphanet 3366, MedGen C0432122, MONDO:0008603, OMIM 190440.
Hypogonadotropic hypogonadism 2 with or without anosmia (HH2). Also called: FGFR1-Related GnRH Deficiency (Kallmann Syndrome 2); HYPOGONADOTROPIC HYPOGONADISM 2 WITHOUT ANOSMIA; HYPOGONADOTROPIC HYPOGONADISM 2 WITH OR WITHOUT ANOSMIA, SUSCEPTIBILITY TO; HYPOGONADOTROPIC HYPOGONADISM 2 WITHOUT ANOSMIA, SUSCEPTIBILITY TO. Identifiers: Orphanet 478, MedGen C1563720, MONDO:0007844, OMIM 147950. Disease mechanism: loss of function.
Craniosynostosis syndrome. Also called: Craniosynostosis. Identifiers: Orphanet 1531, MedGen C0010278, MeSH D003398, MONDO:0015469, HP:0001363.
Osteoglophonic dysplasia (OGD). Also called: Osteoglophonic dwarfism. Identifiers: Orphanet 2645, MedGen C0432283, MONDO:0008150, OMIM 166250.

Allele frequency attached by ClinVar (database versions not stated): TOPMed 0.00059; gnomAD 0.00064 and 0.00066; 1000 Genomes Project 0.00020; gnomAD exomes 0.00104; 1000 Genomes Project 30x 0.00016.

Submissions (5):

CeGaT Center for Human Genetics Tuebingen
Classification: Likely benign. Last evaluated: 2022-11-01. Review status: criteria provided, single submitter. Criteria: CeGaT Center For Human Genetics Tuebingen Variant Classification Criteria Version 2. Collection method: clinical testing. Allele origin: germline. Affected: yes. Observed: 1 variant allele.
Comment: FGFR1: BS1

Illumina Laboratory Services, Illumina
Classification: Uncertain significance for Osteoglophonic dysplasia. Last evaluated: 2018-01-12. Review status: criteria provided, single submitter. Criteria: ICSL Variant Classification Criteria 13 December 2019. Collection method: clinical testing. Allele origin: germline.

Illumina Laboratory Services, Illumina
Classification: Uncertain significance for Hypogonadotropic hypogonadism 2 with or without anosmia. Last evaluated: 2018-01-12. Review status: criteria provided, single submitter. Criteria: ICSL Variant Classification Criteria 13 December 2019. Collection method: clinical testing. Allele origin: germline.

Illumina Laboratory Services, Illumina
Classification: Uncertain significance for Craniosynostosis. Last evaluated: 2018-01-12. Review status: criteria provided, single submitter. Criteria: ICSL Variant Classification Criteria 13 December 2019. Collection method: clinical testing. Allele origin: germline.

Illumina Laboratory Services, Illumina
Classification: Uncertain significance for Trigonocephaly 1. Last evaluated: 2018-01-12. Review status: criteria provided, single submitter. Criteria: ICSL Variant Classification Criteria 13 December 2019. Collection method: clinical testing. Allele origin: germline.